The following is an entry in ClinVar:

ClinVar aggregate classification (germline): Uncertain significance (1 of 4 stars; one submission).

Conditions:
Lipoic acid synthetase deficiency. Also called: HYPERGLYCINEMIA, LACTIC ACIDOSIS, AND SEIZURES. Identifiers: Orphanet 401859, MedGen C3280887, MONDO:0013762, OMIM 614462.

Allele frequency attached by ClinVar (database versions not stated): gnomAD exomes below 0.00001.
gnomAD v4.1: 1 of 1,597,670 alleles (0.000063%); highest among the groups gnomAD compares: African/African-American, 0.0014%; no homozygotes.

Submission:

Labcorp Genetics (formerly Invitae), Labcorp
Classification: Uncertain significance for Lipoic acid synthetase deficiency. Last evaluated: 2022-04-25. Review status: criteria provided, single submitter. Criteria: Invitae Variant Classification Sherloc (09022015). Collection method: clinical testing. Allele origin: germline.
Comment: This sequence change replaces aspartic acid, which is acidic and polar, with valine, which is neutral and non-polar, at codon 371 of the LIAS protein (p.Asp371Val). This variant is not present in population databases (gnomAD no frequency). In summary, the available evidence is currently insufficient to determine the role of this variant in disease. Therefore, it has been classified as a Variant of Uncertain Significance. Algorithms developed to predict the effect of missense changes on protein structure and function output the following: SIFT: "Tolerated"; PolyPhen-2: "Benign"; Align-GVGD: "Class C0". The valine amino acid residue is found in multiple mammalian species, which suggests that this missense change does not adversely affect protein function. This variant has not been reported in the literature in individuals affected with LIAS-related conditions.

NM_006859.4(LIAS):c.1112A>T (p.Asp371Val)

Gene: LIAS (lipoic acid synthetase; plus strand). Cytogenetic location: 4p14.
Variant type: single nucleotide variant.
Coding change: c.1112A>T on transcript NM_006859.4 (MANE Select); coding-DNA position 1112, A replaced by T.
Protein change: p.Asp371Val; replaces aspartic acid 371 with valine.
Molecular consequence: missense variant. On other transcripts: 3 prime UTR variant (1).
Genome position (GRCh38, 1-based): chr4:39,477,108, A>T. VCF-style: chr4-39477108-A-T. GRCh37 (hg19) VCF-style: chr4-39478728-A-T.
Other names: c.983A>T, p.Asp328Val (NM_001278590.2); c.803A>T, p.Asp268Val (NM_001363700.2); c.*31A>T (NM_194451.3); short protein forms D328V, D371V, D268V.
Identifiers: ClinVar variation 2153687 (VCV002153687.4), dbSNP rs2475022615, ClinGen allele CA356666004.